The following is an entry in ClinVar:

NM_014585.6(SLC40A1):c.430A>C (p.Asn144His)

Gene: SLC40A1 (solute carrier family 40 member 1; minus strand). Cytogenetic location: 2q32.2.
Variant type: single nucleotide variant.
Coding change: c.430A>C on transcript NM_014585.6 (MANE Select); coding-DNA position 430, A replaced by C.
Protein change: p.Asn144His; replaces asparagine 144 with histidine.
Molecular consequence: missense variant.
Genome position (GRCh38, 1-based): chr2:189,571,799, T>G on the plus strand (A>C on the coding strand, the complement: SLC40A1 is on the minus strand). VCF-style: chr2-189571799-T-G. GRCh37 (hg19) VCF-style: chr2-190436525-T-G.
Other names: short protein forms N144H.
Identifiers: ClinVar variation 5410 (VCV000005410.4), dbSNP rs104893662, ClinGen allele CA117515.

ClinVar aggregate classification (germline): Pathogenic. Review status: criteria provided, single submitter (1 of 4 stars). 2 submissions from 2 submitters: Pathogenic (1). 1 of the submissions does not count toward it. Last evaluated 2024-02-17.

Conditions:
Hemochromatosis type 4 (HFE4). Also called: HEMOCHROMATOSIS DUE TO DEFECT IN FERROPORTIN; HEMOCHROMATOSIS, AUTOSOMAL DOMINANT; Ferroportin disease. Identifiers: Orphanet 139491, Orphanet 647834, Orphanet 648562, MedGen C1853733, MONDO:0011631, OMIM 606069.

Submissions (2):

Labcorp Genetics (formerly Invitae), Labcorp
Classification: Pathogenic for Hemochromatosis type 4. Last evaluated: 2024-02-17. Review status: criteria provided, single submitter. Criteria: Invitae Variant Classification Sherloc (09022015). Collection method: clinical testing. Allele origin: germline.
Comment: This sequence change replaces asparagine, which is neutral and polar, with histidine, which is basic and polar, at codon 144 of the SLC40A1 protein (p.Asn144His). This variant is not present in population databases (gnomAD no frequency). This missense change has been observed in individual(s) with hereditary hemochromatosis (PMID: 11431687). It has also been observed to segregate with disease in related individuals. ClinVar contains an entry for this variant (Variation ID: 5410). Advanced modeling of protein sequence and biophysical properties (such as structural, functional, and spatial information, amino acid conservation, physicochemical variation, residue mobility, and thermodynamic stability) performed at Invitae indicates that this missense variant is not expected to disrupt SLC40A1 protein function with a negative predictive value of 80%. This variant disrupts the p.Asn144 amino acid residue in SLC40A1. Other variant(s) that disrupt this residue have been determined to be pathogenic (Invitae). This suggests that this residue is clinically significant, and that variants that disrupt this residue are likely to be disease-causing. For these reasons, this variant has been classified as Pathogenic.

OMIM
Classification: Pathogenic for HEMOCHROMATOSIS, TYPE 4. Last evaluated: 2001-07-01. Review status: no assertion criteria provided. Collection method: literature only. Allele origin: germline. Not counted in ClinVar's aggregate classification.

Literature cited by the submitters: PubMed 11431687 (cited by Labcorp Genetics (formerly Invitae), Labcorp and OMIM).